The following is an entry in ClinVar:

NM_001360.3(DHCR7):c.317T>A (p.Phe106Tyr)

Gene: DHCR7 (7-dehydrocholesterol reductase; minus strand). Cytogenetic location: 11q13.4.
Variant type: single nucleotide variant.
Coding change: c.317T>A on transcript NM_001360.3 (MANE Select); coding-DNA position 317, T replaced by A.
Protein change: p.Phe106Tyr; replaces phenylalanine 106 with tyrosine.
Molecular consequence: missense variant.
Genome position (GRCh38, 1-based): chr11:71,443,997, A>T on the plus strand (T>A on the coding strand, the complement: DHCR7 is on the minus strand). VCF-style: chr11-71443997-A-T. GRCh37 (hg19) VCF-style: chr11-71155043-A-T.
Other names: c.317T>A, p.Phe106Tyr (NM_001163817.2, NM_001425107.1, NM_001425108.1 and 8 more transcripts); c.221T>A, p.Phe74Tyr (NM_001425113.1, NM_001425114.1, NM_001425116.1); c.143T>A, p.Phe48Tyr (NM_001425117.1); short protein forms F106Y, F48Y, F74Y.
Identifiers: ClinVar variation 3221498 (VCV003221498.1), dbSNP rs1001099838, ClinGen allele CA224280797.

ClinVar aggregate classification (germline): Uncertain significance (1 of 4 stars; one submission).

Conditions:
Inborn genetic diseases. Identifiers: MedGen C0950123, MeSH D030342.

gnomAD v4.1: 8 of 1,610,852 alleles (0.0005%); highest among the groups gnomAD compares: Non-Finnish European, 0.00059%; no homozygotes.

Submission:

Ambry Genetics
Classification: Uncertain significance for Inborn genetic diseases. Last evaluated: 2023-10-23. Review status: criteria provided, single submitter. Criteria: Ambry Variant Classification Scheme 2023. Collection method: clinical testing. Allele origin: germline.
Comment: The p.F106Y variant (also known as c.317T>A), located in coding exon 2 of the DHCR7 gene, results from a T to A substitution at nucleotide position 317. The phenylalanine at codon 106 is replaced by tyrosine, an amino acid with highly similar properties. This amino acid position is conserved. In addition, the in silico prediction for this alteration is inconclusive. Since supporting evidence is limited at this time, the clinical significance of this alteration remains unclear.